The following is an entry in ClinVar:

NM_002839.4(PTPRD):c.144G>A (p.Thr48=)

Gene: PTPRD (protein tyrosine phosphatase receptor type D; minus strand). Cytogenetic location: 9p24.1.
Variant type: single nucleotide variant.
Coding change: c.144G>A on transcript NM_002839.4 (MANE Select); coding-DNA position 144, G replaced by A.
Protein change: p.Thr48=; no amino-acid change (threonine 48 retained).
Molecular consequence: synonymous variant.
Genome position (GRCh38, 1-based): chr9:8,636,765, C>T on the plus strand (G>A on the coding strand, the complement: PTPRD is on the minus strand). VCF-style: chr9-8636765-C-T. GRCh37 (hg19) VCF-style: chr9-8636765-C-T.
Other names: c.144G>A, p.Thr48= (NM_001040712.2, NM_001171025.2, NM_001377946.1 and 6 more transcripts).
Identifiers: ClinVar variation 3051808 (VCV003051808.2), dbSNP rs146589803, ClinGen allele CA4985007.

ClinVar aggregate classification (germline): Likely benign (0 of 4 stars; one submission).

Conditions:
PTPRD-related disorder. Also called: PTPRD-related condition.

Allele frequency attached by ClinVar (database versions not stated): gnomAD exomes 0.00012; ExAC 0.00042; gnomAD 0.00124; ESP Exome Variant Server 0.00138; TOPMed 0.00144; 1000 Genomes Project 0.00220; 1000 Genomes Project 30x 0.00281.
gnomAD v4.1: 364 of 1,613,966 alleles (0.023%); highest among the groups gnomAD compares: African/African-American, 0.43%; 4 homozygotes.

Submission:

PreventionGenetics, part of Exact Sciences
Classification: Likely benign for PTPRD-related condition. Last evaluated: 2020-01-27. Review status: no assertion criteria provided. Collection method: clinical testing. Allele origin: germline.
Comment: This variant is classified as likely benign based on ACMG/AMP sequence variant interpretation guidelines (Richards et al. 2015 PMID: 25741868, with internal and published modifications).